The following is an entry in ClinVar:

ClinVar aggregate classification (germline): Likely pathogenic (1 of 4 stars; one submission).

Conditions:
Usher syndrome type 1 (USH1). Also called: RETINITIS PIGMENTOSA AND CONGENITAL DEAFNESS. Identifiers: Orphanet 231169, Orphanet 886, MedGen C1568247, MONDO:0010168, OMIM 276900.

Submission:

Myriad Genetics, Inc.
Classification: Likely pathogenic for Usher syndrome type 1. Last evaluated: 2022-01-24. Review status: criteria provided, single submitter. Criteria: Myriad Women's Health Autosomal Recessive and X-Linked Classification Criteria (2021). Collection method: clinical testing. Allele origin: unknown.
Comment: NM_000260.3(MYO7A):c.802A>T(K268*) is expected to be pathogenic in the context of MYO7A-related disorders. This variant is predicted to lead to an abnormal or absent protein product due to the creation of a premature termination codon in MYO7A, a gene where loss-of-function variants are known to be pathogenic. Please note: this variant was assessed in the context of healthy population screening.

NM_000260.4(MYO7A):c.802A>T (p.Lys268Ter)

Gene: MYO7A (myosin VIIA; plus strand). Cytogenetic location: 11q13.5.
Variant type: single nucleotide variant.
Coding change: c.802A>T on transcript NM_000260.4 (MANE Select); coding-DNA position 802, A replaced by T.
Protein change: p.Lys268Ter; replaces lysine 268 with a stop codon.
Molecular consequence: nonsense.
Genome position (GRCh38, 1-based): chr11:77,157,345, A>T. VCF-style: chr11-77157345-A-T. GRCh37 (hg19) VCF-style: chr11-76868391-A-T.
Other names: c.802A>T, p.Lys268Ter (NM_001127180.2); c.769A>T, p.Lys257Ter (NM_001369365.1); short protein forms K257*, K268*.
Identifiers: ClinVar variation 1724067 (VCV001724067.2), dbSNP rs2496764008, ClinGen allele CA381932528.